The following is an entry in ClinVar:

ClinVar aggregate classification (germline): Uncertain significance. Review status: criteria provided, multiple submitters, no conflicts (2 of 4 stars). 3 submissions from 3 submitters: Uncertain significance (3). Last evaluated 2026-04-02.

Conditions:
DICER1-related tumor predisposition. Also called: DICER1-related pleuropulmonary blastoma cancer predisposition syndrome; DICER1 syndrome. Identifiers: Orphanet 284343, MedGen C3839822, MONDO:0100216.
DICER1-related disorder. Also called: DICER1-related condition.
Hereditary cancer-predisposing syndrome. Also called: Neoplastic Syndromes, Hereditary; Hereditary Cancer Syndrome; Tumor predisposition; Hereditary neoplastic syndrome. Identifiers: Orphanet 140162, MedGen C0027672, MeSH D009386, MONDO:0015356.

Allele frequency attached by ClinVar (database versions not stated): gnomAD exomes 0.00001.
gnomAD v4.1: 8 of 1,613,738 alleles (0.0005%); highest among the groups gnomAD compares: South Asian, 0.0088%; no homozygotes.

Submissions (3):

PreventionGenetics, part of Exact Sciences
Classification: Uncertain significance for DICER1-related condition. Last evaluated: 2026-04-02. Review status: criteria provided, single submitter. Criteria: ACMG Guidelines, 2015. Collection method: clinical testing. Allele origin: germline.
Comment: The DICER1 c.956A>T variant is predicted to result in the amino acid substitution p.Asp319Val. To our knowledge, this variant has not been reported in the literature or in a large population database, indicating this variant is rare. This variant is interpreted as a variant of uncertain significance in ClinVar (Variation ID: 823337). At this time, the clinical significance of this variant is uncertain due to the absence of conclusive functional and genetic evidence.

Labcorp Genetics (formerly Invitae), Labcorp
Classification: Uncertain significance for DICER1-related tumor predisposition. Last evaluated: 2025-07-31. Review status: criteria provided, single submitter. Criteria: Invitae Variant Classification Sherloc (09022015). Collection method: clinical testing. Allele origin: germline.
Comment: This sequence change replaces aspartic acid, which is acidic and polar, with valine, which is neutral and non-polar, at codon 319 of the DICER1 protein (p.Asp319Val). This variant is not present in population databases (gnomAD no frequency). This variant has not been reported in the literature in individuals affected with DICER1-related conditions. ClinVar contains an entry for this variant (Variation ID: 823337). Invitae Evidence Modeling of protein sequence and biophysical properties (such as structural, functional, and spatial information, amino acid conservation, physicochemical variation, residue mobility, and thermodynamic stability) indicates that this missense variant is not expected to disrupt DICER1 protein function with a negative predictive value of 95%. In summary, the available evidence is currently insufficient to determine the role of this variant in disease. Therefore, it has been classified as a Variant of Uncertain Significance.

Ambry Genetics
Classification: Uncertain significance for Hereditary cancer-predisposing syndrome. Last evaluated: 2019-10-21. Review status: criteria provided, single submitter. Criteria: Ambry Variant Classification Scheme 2023. Collection method: clinical testing. Allele origin: germline.
Comment: The p.D319V variant (also known as c.956A>T), located in coding exon 7 of the DICER1 gene, results from an A to T substitution at nucleotide position 956. The aspartic acid at codon 319 is replaced by valine, an amino acid with highly dissimilar properties. This amino acid position is highly conserved in available vertebrate species. In addition, this alteration is predicted to be deleterious by in silico analysis. Since supporting evidence is limited at this time, the clinical significance of this alteration remains unclear.

NM_177438.3(DICER1):c.956A>T (p.Asp319Val)

Gene: DICER1 (dicer 1, ribonuclease III; minus strand). Cytogenetic location: 14q32.13.
Variant type: single nucleotide variant.
Coding change: c.956A>T on transcript NM_177438.3 (MANE Select); coding-DNA position 956, A replaced by T.
Protein change: p.Asp319Val; replaces aspartic acid 319 with valine.
Molecular consequence: missense variant.
Genome position (GRCh38, 1-based): chr14:95,124,616, T>A on the plus strand (A>T on the coding strand, the complement: DICER1 is on the minus strand). VCF-style: chr14-95124616-T-A. GRCh37 (hg19) VCF-style: chr14-95590953-T-A.
Other names: c.956A>T, p.Asp319Val (NM_001195573.1, NM_001271282.3, NM_001291628.2 and 1 more transcripts); short protein forms D319V.
Identifiers: ClinVar variation 823337 (VCV000823337.16), dbSNP rs776738577, ClinGen allele CA390887293.
Genomic context (GRCh38, chr14:95,124,616, plus strand): 5'-TCCTCTTGCTCATGTTTGATGTATTTCTGTAGTTCTCTTACCATCATTCCAGCTACTTTA[T>A]CTGCACACCAGGGTCCCAGAACTACCAATACGGCACGACAGTCTGATAGTATCTACAAAA-3'
Protein context (NP_803187.1, residues 309-329): VLVVLGPWCA[Asp319Val]KVAGMMVREL